The following is an entry in ClinVar:

NM_022367.4(SEMA4A):c.1504A>G (p.Ser502Gly)

Gene: SEMA4A (semaphorin 4A; plus strand). Cytogenetic location: 1q22.
Variant type: single nucleotide variant.
Coding change: c.1504A>G on transcript NM_022367.4 (MANE Select); coding-DNA position 1504, A replaced by G.
Protein change: p.Ser502Gly; replaces serine 502 with glycine.
Molecular consequence: missense variant.
Genome position (GRCh38, 1-based): chr1:156,175,155, A>G. VCF-style: chr1-156175155-A-G. GRCh37 (hg19) VCF-style: chr1-156144946-A-G.
Other names: c.1504A>G, p.Ser502Gly (NM_001193300.2, NM_001193301.2, NM_001370567.1); c.1108A>G, p.Ser370Gly (NM_001193302.2); c.1207A>G, p.Ser403Gly (NM_001370568.1); c.997A>G, p.Ser333Gly (NM_001370569.1, NM_001370571.1); short protein forms S333G, S502G, S370G, S403G.
Identifiers: ClinVar variation 3657399 (VCV003657399.2).

ClinVar aggregate classification (germline): Uncertain significance (1 of 4 stars; one submission).

Submission:

Labcorp Genetics (formerly Invitae), Labcorp
Classification: Uncertain significance. Last evaluated: 2024-06-22. Review status: criteria provided, single submitter. Criteria: Invitae Variant Classification Sherloc (09022015). Collection method: clinical testing. Allele origin: germline.
Comment: This sequence change replaces serine, which is neutral and polar, with glycine, which is neutral and non-polar, at codon 502 of the SEMA4A protein (p.Ser502Gly). This variant is not present in population databases (gnomAD no frequency). This variant has not been reported in the literature in individuals affected with SEMA4A-related conditions. Advanced modeling of protein sequence and biophysical properties (such as structural, functional, and spatial information, amino acid conservation, physicochemical variation, residue mobility, and thermodynamic stability) performed at Invitae indicates that this missense variant is not expected to disrupt SEMA4A protein function with a negative predictive value of 80%. In summary, the available evidence is currently insufficient to determine the role of this variant in disease. Therefore, it has been classified as a Variant of Uncertain Significance.